The following is an entry in ClinVar:

ClinVar aggregate classification (germline): Uncertain significance (1 of 4 stars; one submission).

Submission:

Ambry Genetics
Classification: Uncertain significance. Last evaluated: 2024-05-25. Review status: criteria provided, single submitter. Criteria: Ambry Variant Classification Scheme 2023. Collection method: clinical testing. Allele origin: germline.
Comment: The p.G797S variant (also known as c.2389G>A), located in coding exon 13 of the NPAT gene, results from a G to A substitution at nucleotide position 2389. The glycine at codon 797 is replaced by serine, an amino acid with similar properties. This amino acid position is conserved. In addition, this alteration is predicted to be tolerated by in silico analysis. Based on the available evidence, the clinical significance of this variant remains unclear.

NM_002519.3(NPAT):c.2389G>A (p.Gly797Ser)

Gene: NPAT (nuclear protein, coactivator of histone transcription; minus strand). Cytogenetic location: 11q22.3.
Variant type: single nucleotide variant.
Coding change: c.2389G>A on transcript NM_002519.3 (MANE Select); coding-DNA position 2389, G replaced by A.
Protein change: p.Gly797Ser; replaces glycine 797 with serine.
Molecular consequence: missense variant.
Genome position (GRCh38, 1-based): chr11:108,172,595, C>T on the plus strand (G>A on the coding strand, the complement: NPAT is on the minus strand). VCF-style: chr11-108172595-C-T. GRCh37 (hg19) VCF-style: chr11-108043322-C-T.
Other names: c.2389G>A, p.Gly797Ser (NM_001321307.1); short protein forms G797S.
Identifiers: ClinVar variation 3300700 (VCV003300700.1).
Genomic context (GRCh38, chr11:108,172,595, plus strand): 5'-ATGTTAAAAGACTCTGTTCCATTGAGGCTGAATCCCCTACTTCGGCATATACAACAGCAC[C>T]TACAGTTTCTTCTGAAGATAGGCATTTAACTAGTTCTGCATTTTTAGTAGGTGATTTAGT-3'
Protein context (NP_002510.2, residues 787-807): VKCLSSEETV[Gly797Ser]AVVYAEVGDS